The following is an entry in ClinVar:

NM_001572.5(IRF7):c.571T>C (p.Cys191Arg)

Gene: IRF7 (interferon regulatory factor 7; minus strand). Cytogenetic location: 11p15.5.
Variant type: single nucleotide variant.
Coding change: c.571T>C on transcript NM_001572.5 (MANE Select); coding-DNA position 571, T replaced by C.
Protein change: p.Cys191Arg; replaces cysteine 191 with arginine.
Molecular consequence: missense variant.
Genome position (GRCh38, 1-based): chr11:614,282, A>G on the plus strand (T>C on the coding strand, the complement: IRF7 is on the minus strand). VCF-style: chr11-614282-A-G. GRCh37 (hg19) VCF-style: chr11-614282-A-G.
Other names: c.571T>C, p.Cys191Arg (NM_004029.4); c.610T>C, p.Cys204Arg (NM_004031.4); short protein forms C204R, C191R.
Identifiers: ClinVar variation 3665424 (VCV003665424.2).

ClinVar aggregate classification (germline): Uncertain significance (1 of 4 stars; one submission).

Conditions:
Immunodeficiency 39 (IMD39). Identifiers: Orphanet 574918, MedGen C4225358, MONDO:0014597, OMIM 616345.

Submission:

Labcorp Genetics (formerly Invitae), Labcorp
Classification: Uncertain significance for Immunodeficiency 39. Last evaluated: 2025-02-10. Review status: criteria provided, single submitter. Criteria: Invitae Variant Classification Sherloc (09022015). Collection method: clinical testing. Allele origin: germline.
Comment: This sequence change replaces cysteine, which is neutral and slightly polar, with arginine, which is basic and polar, at codon 204 of the IRF7 protein (p.Cys204Arg). This variant is not present in population databases (gnomAD no frequency). This variant has not been reported in the literature in individuals affected with IRF7-related conditions. Invitae Evidence Modeling of protein sequence and biophysical properties (such as structural, functional, and spatial information, amino acid conservation, physicochemical variation, residue mobility, and thermodynamic stability) indicates that this missense variant is not expected to disrupt IRF7 protein function with a negative predictive value of 80%. In summary, the available evidence is currently insufficient to determine the role of this variant in disease. Therefore, it has been classified as a Variant of Uncertain Significance.